The following is an entry in ClinVar:

NM_001195553.2(DCX):c.211G>A (p.Ala71Thr)

Gene: DCX (doublecortin; minus strand). Cytogenetic location: Xq23.
Variant type: single nucleotide variant.
Coding change: c.211G>A on transcript NM_001195553.2 (MANE Select); coding-DNA position 211, G replaced by A.
Protein change: p.Ala71Thr; replaces alanine 71 with threonine.
Molecular consequence: missense variant.
Genome position (GRCh38, 1-based): chrX:111,410,188, C>T on the plus strand (G>A on the coding strand, the complement: DCX is on the minus strand). VCF-style: chrX-111410188-C-T. GRCh37 (hg19) VCF-style: chrX-110653416-C-T.
Other names: c.211G>A, p.Ala71Thr (NM_178153.3, NM_001369370.1, NM_001369371.1 and 5 more transcripts); c.211G>A (NM_178153.2); c.454G>A, p.Ala152Thr (NM_000555.3); short protein forms A152T, A71T.
Identifiers: ClinVar variation 812172 (VCV000812172.7), dbSNP rs104894786, ClinGen allele CA414246873.

ClinVar aggregate classification (germline): Conflicting classifications of pathogenicity. Review status: criteria provided, conflicting classifications (1 of 4 stars). 4 submissions from 4 submitters: Pathogenic (3); Uncertain significance (1). Last evaluated 2025-07-14.

Conditions:
Lissencephaly type 1 due to doublecortin gene mutation. Also called: LISSENCEPHALY, X-LINKED, 1; LISSENCEPHALY AND AGENESIS OF CORPUS CALLOSUM. Identifiers: Orphanet 2148, MedGen C4551968, MONDO:0010239, OMIM 300067.
Inborn genetic diseases. Identifiers: MedGen C0950123, MeSH D030342.

Submissions (4):

Institute of Human Genetics, University of Leipzig Medical Center
Classification: Pathogenic for Lissencephaly type 1 due to doublecortin gene mutation. Last evaluated: 2025-07-14. Review status: criteria provided, single submitter. Criteria: ACMG Guidelines, 2015. Collection method: clinical testing. Allele origin: de novo. Inheritance: X-linked dominant inheritance. Affected: yes.
Comment: Criteria applied: PS2,PS4_MOD,PM2,PM5,PP2,PP3

GeneDx
Classification: Pathogenic. Last evaluated: 2021-06-17. Review status: criteria provided, single submitter. Criteria: GeneDx Variant Classification Process June 2021. Collection method: clinical testing. Allele origin: germline. Affected: yes.
Comment: Not observed in large population cohorts (Lek et al., 2016); In silico analysis, which includes protein predictors and evolutionary conservation, supports a deleterious effect; This variant is associated with the following publications: (PMID: 32238909)

Cavalleri Lab, Royal College of Surgeons in Ireland
Classification: Pathogenic for Lissencephaly type 1 due to doublecortin gene mutation. Last evaluated: 2019-12-11. Review status: criteria provided, single submitter. Criteria: ACMG Guidelines, 2015. Collection method: research. Allele origin: de novo. Inheritance: Sporadic. Affected: yes.
Comment: ACMG evidence PS2, PM2, PM5, PP2, PP3

Ambry Genetics
Classification: Uncertain significance for Inborn genetic diseases. Last evaluated: 2018-07-16. Review status: criteria provided, single submitter. Criteria: Ambry Variant Classification Scheme 2023. Collection method: clinical testing. Allele origin: germline.
Comment: The p.A71T variant (also known as c.211G>A), located in coding exon 1 of the DCX gene, results from a G to A substitution at nucleotide position 211. The alanine at codon 71 is replaced by threonine, an amino acid with similar properties. This amino acid position is highly conserved in available vertebrate species. In addition, this alteration is predicted to be deleterious by in silico analysis. Since supporting evidence is limited at this time, the clinical significance of this alteration remains unclear.

Literature cited by the submitters: PubMed 32238909 (cited by Cavalleri Lab, Royal College of Surgeons in Ireland); PubMed 11071144 (cited by Ambry Genetics).